The following is an entry in ClinVar:

NM_001378454.1(ALMS1):c.10223C>T (p.Ala3408Val)

Gene: ALMS1 (ALMS1 centrosome and basal body associated protein; plus strand). Cytogenetic location: 2p13.1.
Variant type: single nucleotide variant.
Coding change: c.10223C>T on transcript NM_001378454.1 (MANE Select); coding-DNA position 10223, C replaced by T.
Protein change: p.Ala3408Val; replaces alanine 3408 with valine.
Molecular consequence: missense variant.
Genome position (GRCh38, 1-based): chr2:73,558,981, C>T. VCF-style: chr2-73558981-C-T. GRCh37 (hg19) VCF-style: chr2-73786108-C-T.
Other names: c.10226C>T, p.Ala3409Val (NM_015120.4); short protein forms A3408V, A3409V.
Identifiers: ClinVar variation 2582181 (VCV002582181.4), dbSNP rs377352853, ClinGen allele CA1714945.

ClinVar aggregate classification (germline): Uncertain significance. Review status: criteria provided, multiple submitters, no conflicts (2 of 4 stars). 2 submissions from 2 submitters: Uncertain significance (2). Last evaluated 2026-09-23.

Conditions:
Alstrom syndrome (ALMS). Identifiers: Orphanet 64, MedGen C0268425, MONDO:0008763, OMIM 203800.

Allele frequency attached by ClinVar (database versions not stated): ESP Exome Variant Server 0.00008; gnomAD exomes below 0.00001; TOPMed below 0.00001; ExAC 0.00001; gnomAD 0.00001.
gnomAD v4.1: 3 of 1,612,526 alleles (0.00019%); highest among the groups gnomAD compares: Admixed American, 0.0017%; no homozygotes.

Submissions (2):

GeneDx
Classification: Uncertain significance. Last evaluated: 2026-09-23. Review status: criteria provided, single submitter. Criteria: GeneDx Variant Classification Process June 2021. Collection method: clinical testing. Allele origin: germline.
Comment: Not observed at significant frequency in large population cohorts (gnomAD); In silico analysis suggests that this missense variant does not alter protein structure/function; Has not been previously published as pathogenic or benign to our knowledge

Labcorp Genetics (formerly Invitae), Labcorp
Classification: Uncertain significance for Alstrom syndrome. Last evaluated: 2025-02-03. Review status: criteria provided, single submitter. Criteria: Invitae Variant Classification Sherloc (09022015). Collection method: clinical testing. Allele origin: germline.
Comment: This sequence change replaces alanine, which is neutral and non-polar, with valine, which is neutral and non-polar, at codon 3409 of the ALMS1 protein (p.Ala3409Val). This variant is present in population databases (rs377352853, gnomAD 0.007%). This variant has not been reported in the literature in individuals affected with ALMS1-related conditions. ClinVar contains an entry for this variant (Variation ID: 2582181). Experimental studies and prediction algorithms are not available or were not evaluated, and the functional significance of this variant is currently unknown. In summary, the available evidence is currently insufficient to determine the role of this variant in disease. Therefore, it has been classified as a Variant of Uncertain Significance.